The following is an entry in ClinVar:

NM_014055.4(IFT81):c.159C>G (p.Ile53Met)

Gene: IFT81 (intraflagellar transport 81; plus strand). Cytogenetic location: 12q24.11.
Variant type: single nucleotide variant.
Coding change: c.159C>G on transcript NM_014055.4 (MANE Select); coding-DNA position 159, C replaced by G.
Protein change: p.Ile53Met; replaces isoleucine 53 with methionine.
Molecular consequence: missense variant. On other transcripts: 5 prime UTR variant (2), non-coding transcript variant (4).
Genome position (GRCh38, 1-based): chr12:110,128,060, C>G. VCF-style: chr12-110128060-C-G. GRCh37 (hg19) VCF-style: chr12-110565865-C-G.
Other names: c.159C>G, p.Ile53Met (NM_001143779.2, NM_001347946.2, NM_031473.4); c.-608C>G (NM_001347947.2, NM_001347948.2); short protein forms I53M.
Identifiers: ClinVar variation 2172032 (VCV002172032.3), dbSNP rs201641986, ClinGen allele CA6783011.

ClinVar aggregate classification (germline): Uncertain significance (1 of 4 stars; one submission).

Allele frequency attached by ClinVar (database versions not stated): TOPMed below 0.00001; ExAC 0.00001; gnomAD 0.00001; 1000 Genomes Project 30x 0.00016; 1000 Genomes Project 0.00020.
gnomAD v4.1: 1 of 1,611,336 alleles (0.000062%); highest among the groups gnomAD compares: Admixed American, 0.0017%; no homozygotes.

Submission:

Labcorp Genetics (formerly Invitae), Labcorp
Classification: Uncertain significance. Last evaluated: 2022-02-14. Review status: criteria provided, single submitter. Criteria: Invitae Variant Classification Sherloc (09022015). Collection method: clinical testing. Allele origin: germline.
Comment: This variant has not been reported in the literature in individuals affected with IFT81-related conditions. This variant is not present in population databases (gnomAD no frequency). This sequence change replaces isoleucine, which is neutral and non-polar, with methionine, which is neutral and non-polar, at codon 53 of the IFT81 protein (p.Ile53Met). Algorithms developed to predict the effect of missense changes on protein structure and function are either unavailable or do not agree on the potential impact of this missense change (SIFT: "Deleterious"; PolyPhen-2: "Probably Damaging"; Align-GVGD: "Class C0"). In summary, the available evidence is currently insufficient to determine the role of this variant in disease. Therefore, it has been classified as a Variant of Uncertain Significance.